The following is an entry in ClinVar:

ClinVar aggregate classification (germline): Likely benign. Review status: criteria provided, multiple submitters, no conflicts (2 of 4 stars). 2 submissions from 2 submitters: Likely benign (2). Last evaluated 2026-03-26.

Conditions:
CFAP410-related disorder. Also called: CFAP410-related condition.

gnomAD v4.1: 75 of 1,549,172 alleles (0.0048%); highest among the groups gnomAD compares: Non-Finnish European, 0.0058%; no homozygotes.

Submissions (2):

PreventionGenetics, part of Exact Sciences
Classification: Likely benign for CFAP410-related condition. Last evaluated: 2026-03-26. Review status: criteria provided, single submitter. Criteria: ACMG Guidelines, 2015. Collection method: clinical testing. Allele origin: germline.
Comment: This variant is classified as likely benign based on ACMG/AMP sequence variant interpretation guidelines (Richards et al. 2015 PMID: 25741868, with internal and published modifications).

Blueprint Genetics
Classification: Likely benign. Last evaluated: 2024-10-25. Review status: criteria provided, single submitter. Criteria: ACMG Guidelines, 2015. Collection method: clinical testing. Allele origin: germline.

NM_004928.3(CFAP410):c.642+204C>T

Gene: CFAP410 (cilia and flagella associated protein 410; minus strand). Cytogenetic location: 21q22.3.
Variant type: single nucleotide variant.
Coding change: c.642+204C>T on transcript NM_004928.3 (MANE Select); 204 bases into the intron after coding-DNA position 642, C replaced by T.
Molecular consequence: intron variant. On other transcripts: synonymous variant (1).
Genome position (GRCh38, 1-based): chr21:44,330,619, G>A on the plus strand (C>T on the coding strand, the complement: CFAP410 is on the minus strand). VCF-style: chr21-44330619-G-A. GRCh37 (hg19) VCF-style: chr21-45750502-G-A.
Other names: c.843C>T (NM_001271441.1); c.843C>T, p.His281= (NM_001271441.2); c.639+204C>T (NM_001271440.2); c.516+204C>T (NM_001271442.1).
Identifiers: ClinVar variation 4946466 (VCV004946466.2).